The following is an entry in ClinVar:

ClinVar aggregate classification (germline): Uncertain significance (1 of 4 stars; one submission).

gnomAD v4.1: 1 of 1,613,844 alleles (0.000062%); highest among the groups gnomAD compares: South Asian, 0.0011%; no homozygotes.

Submission:

Labcorp Genetics (formerly Invitae), Labcorp
Classification: Uncertain significance. Last evaluated: 2025-02-17. Review status: criteria provided, single submitter. Criteria: Invitae Variant Classification Sherloc (09022015). Collection method: clinical testing. Allele origin: germline.
Comment: This sequence change replaces asparagine, which is neutral and polar, with threonine, which is neutral and polar, at codon 461 of the DEAF1 protein (p.Asn461Thr). This variant is present in population databases (rs201341584, gnomAD 0.003%). This variant has not been reported in the literature in individuals affected with DEAF1-related conditions. ClinVar contains an entry for this variant (Variation ID: 2900582). Invitae Evidence Modeling of protein sequence and biophysical properties (such as structural, functional, and spatial information, amino acid conservation, physicochemical variation, residue mobility, and thermodynamic stability) indicates that this missense variant is expected to disrupt DEAF1 protein function with a positive predictive value of 80%. This variant disrupts the p.Asn461 amino acid residue in DEAF1. Other variant(s) that disrupt this residue have been determined to be pathogenic (internal data). This suggests that this residue is clinically significant, and that variants that disrupt this residue are likely to be disease-causing. In summary, the available evidence is currently insufficient to determine the role of this variant in disease. Therefore, it has been classified as a Variant of Uncertain Significance.

NM_021008.4(DEAF1):c.1382A>C (p.Asn461Thr)

Genes: DEAF1 (DEAF1 transcription factor; minus strand), LOC126861109 (BRD4-independent group 4 enhancer GRCh37_chr11:673917-675116; plus strand). Cytogenetic location: 11p15.5.
Variant type: single nucleotide variant.
Coding change: c.1382A>C on transcript NM_021008.4 (MANE Select); coding-DNA position 1382, A replaced by C.
Protein change: p.Asn461Thr; replaces asparagine 461 with threonine.
Molecular consequence: missense variant.
Genome position (GRCh38, 1-based): chr11:674,657, T>G on the plus strand (A>C on the coding strand, the complement: DEAF1 is on the minus strand). VCF-style: chr11-674657-T-G. GRCh37 (hg19) VCF-style: chr11-674657-T-G.
Other names: c.1115A>C, p.Asn372Thr (NM_001293634.2); c.656A>C, p.Asn219Thr (NM_001367390.1); short protein forms N219T, N372T, N461T.
Identifiers: ClinVar variation 2900582 (VCV002900582.3), dbSNP rs201341584, ClinGen allele CA5786224.